The following is an entry in ClinVar:

NM_001184.4(ATR):c.6312G>T (p.Trp2104Cys)

Gene: ATR (ATR checkpoint kinase; minus strand). Cytogenetic location: 3q23.
Variant type: single nucleotide variant.
Coding change: c.6312G>T on transcript NM_001184.4 (MANE Select); coding-DNA position 6312, G replaced by T.
Protein change: p.Trp2104Cys; replaces tryptophan 2104 with cysteine.
Molecular consequence: missense variant.
Genome position (GRCh38, 1-based): chr3:142,470,093, C>A on the plus strand (G>T on the coding strand, the complement: ATR is on the minus strand). VCF-style: chr3-142470093-C-A. GRCh37 (hg19) VCF-style: chr3-142188935-C-A.
Other names: c.6120G>T, p.Trp2040Cys (NM_001354579.2); short protein forms W2104C, W2040C.
Identifiers: ClinVar variation 1752803 (VCV001752803.2), dbSNP rs2473073809, ClinGen allele CA354805517.
Genomic context (GRCh38, chr3:142,470,093, plus strand): 5'-ATACCAAAGTTATAATTCCTAGTCCTTTAAAACTTTTACGTGAAGAGTTATACCTTTTTC[C>A]CATTCATATGCCTTTGTACCATAATCAAGCCATAGAGTTAACATTCGTGGCATTGACTGA-3'
Protein context (NP_001175.2, residues 2094-2114): WLDYGTKAYE[Trp2104Cys]EKAGRSDRVQ

ClinVar aggregate classification (germline): Uncertain significance (1 of 4 stars; one submission).

Conditions:
Inborn genetic diseases. Identifiers: MedGen C0950123, MeSH D030342.

Submission:

Ambry Genetics
Classification: Uncertain significance for Inborn genetic diseases. Last evaluated: 2022-09-12. Review status: criteria provided, single submitter. Criteria: Ambry Variant Classification Scheme 2023. Collection method: clinical testing. Allele origin: germline.
Comment: The p.W2104C variant (also known as c.6312G>T), located in coding exon 37 of the ATR gene, results from a G to T substitution at nucleotide position 6312. The tryptophan at codon 2104 is replaced by cysteine, an amino acid with highly dissimilar properties. This amino acid position is conserved. In addition, this alteration is predicted to be tolerated by in silico analysis. Since supporting evidence is limited at this time, the clinical significance of this alteration remains unclear.